The following is an entry in ClinVar:

ClinVar aggregate classification (germline): Pathogenic. Review status: criteria provided, multiple submitters, no conflicts (2 of 4 stars). 6 submissions from 6 submitters: Pathogenic (4). 2 of the submissions do not count toward it. Last evaluated 2025-07-16.

Conditions:
Ventriculomegaly. Identifiers: MedGen C1531647, HP:0002119.
Multiple joint contractures. Identifiers: MedGen C0158118, HP:0002828.
Ambiguous genitalia. Identifiers: MedGen C0266362, HP:0000062.
Generalized hypotonia. Identifiers: MedGen C1858120, HP:0001290.
Schaaf-Yang syndrome (SHFYNG). Also called: Arthrogryposis, distal, with hypopituitarism, intellectual disability, and facial anomalies; MAGEL2-related Prader-Willi-like syndrome. Identifiers: Orphanet 398069, MedGen C5575066, MONDO:0014243, OMIM 615547.
MAGEL2-related disorder. Also called: MAGEL2-related condition.

Submissions (6):

GeneDx
Classification: Pathogenic. Last evaluated: 2025-07-16. Review status: criteria provided, single submitter. Criteria: GeneDx Variant Classification Process June 2021. Collection method: clinical testing. Allele origin: germline. Affected: yes.
Comment: Identified in multiple patients with clinical features consistent with Schaaf-Yang syndrome including severe arthrogryposis multiplex congenita, fetal akinesia, overlapping digits, and retromicrognathia referred for genetic testing at GeneDx and in published literature (PMID: 26365340, 27195816); Frameshift variant in the C-terminus predicted to result in protein truncation, as the last 584 amino acids are lost and replaced with 36 incorrect amino acids; This variant is associated with the following publications: (PMID: 27195816, 31152388, 30302899, 31397880, 32889788, 33820833, 39252126, 24076603, 36028527, 31680349, 34128869, 32702813, 36237189, 33371171, 35047255, 34740919, 34265304, 32021601, 37204857, 32879135, 26365340)

Labcorp Genetics (formerly Invitae), Labcorp
Classification: Pathogenic. Last evaluated: 2024-06-09. Review status: criteria provided, single submitter. Criteria: Invitae Variant Classification Sherloc (09022015). Collection method: clinical testing. Allele origin: germline.
Comment: This sequence change creates a premature translational stop signal (p.Gln666Serfs*36) in the MAGEL2 gene. While this is not anticipated to result in nonsense mediated decay, it is expected to disrupt the last 584 amino acid(s) of the MAGEL2 protein. The frequency data for this variant in the population databases is considered unreliable, as metrics indicate poor data quality at this position in the gnomAD database. This premature translational stop signal has been observed in individual(s) with severe arthrogryposis and fetal akinesia (PMID: 26365340, 27195816; Invitae). In at least one individual the variant was observed to be de novo. ClinVar contains an entry for this variant (Variation ID: 440463). This variant disrupts a region of the MAGEL2 protein in which other variant(s) (c.1996dup) have been determined to be pathogenic (PMID: 27195816). This suggests that this is a clinically significant region of the protein, and that variants that disrupt it are likely to be disease-causing. For these reasons, this variant has been classified as Pathogenic.

Blueprint Genetics
Classification: Pathogenic for MAGEL2-related disorders. Last evaluated: 2021-02-05. Review status: criteria provided, single submitter. Criteria: ACMG Guidelines, 2015. Collection method: clinical testing. Allele origin: germline. Affected: yes. Observed: 1 variant allele.

Center for Reproductive Medicine, Peking University Third Hospital
Classification: Pathogenic for Generalized hypotonia; Ambiguous genitalia; Ventriculomegaly; Multiple joint contractures. Last evaluated: 2019-10-16. Review status: criteria provided, single submitter. Criteria: ACMG Guidelines, 2015. Collection method: clinical testing. Allele origin: germline. Affected: yes.

OMIM
Classification: Pathogenic for SCHAAF-YANG SYNDROME. Last evaluated: 2025-07-15. Review status: no assertion criteria provided. Collection method: literature only. Allele origin: germline. Not counted in ClinVar's aggregate classification.

GeneReviews
No classification provided. Condition: Prader-Willi-like syndrome. Review status: no classification provided. Collection method: literature only. Allele origin: germline. Not counted in ClinVar's aggregate classification.
Comment: Pre- or perinatally lethal in all reported affected persons

Literature cited by the submitters: PubMed 26365340 (cited by 3 submitters); PubMed 27195816 (cited by 3 submitters); PubMed 24076603 (cited by Center for Reproductive Medicine, Peking University Third Hospital); PubMed 31680349 (cited by Center for Reproductive Medicine, Peking University Third Hospital); PubMed 30302899 (cited by OMIM); PubMed 31152388 (cited by GeneReviews); NCBI Bookshelf NBK567492 (cited by GeneReviews).

NM_019066.5(MAGEL2):c.1996del (p.Gln666fs)

Gene: MAGEL2 (MAGE family member L2; minus strand). Cytogenetic location: 15q11.2.
Variant type: Deletion.
Coding change: c.1996del on transcript NM_019066.5 (MANE Select); coding-DNA position 1996, one base deleted (C; older notation c.1996delC).
Protein change: p.Gln666fs; shifts the reading frame from glutamine 666.
Molecular consequence: frameshift variant.
Genome position (GRCh38, 1-based): chr15:23,645,747, G deleted on the plus strand (C on the coding strand, the reverse complement: MAGEL2 is on the minus strand); the first of 7 consecutive G bases (chr15:23,645,747-23,645,753); deleting any one gives the same sequence. VCF-style (leftmost placement, unchanged base first): chr15-23645746-TG-T. GRCh37 (hg19) VCF-style: chr15-23890893-TG-T.
Other names: c.1996del (NM_019066.4); short protein forms Q666fs.
Identifiers: ClinVar variation 440463 (VCV000440463.19), dbSNP rs770374710, ClinGen allele CA7429979.
Genomic context (GRCh38, chr15:23,645,746, plus strand): 5'-CAGGAAGGCTGGAGCGGCAGTGTGGGCACCTCCGCTTGCGGACCCGATGCCTGGGCCTGC[TG>T]GGGGGGTAGCTGGATTTGCACGGCTTTTTGGGAGGGCGGGGCTCCCTGAAAGGGCTGCTC-3'